The following is an entry in ClinVar:

ClinVar aggregate classification (germline): Uncertain significance (1 of 4 stars; one submission).

Submission:

Ambry Genetics
Classification: Uncertain significance. Last evaluated: 2021-08-14. Review status: criteria provided, single submitter. Criteria: Ambry Variant Classification Scheme 2023. Collection method: clinical testing. Allele origin: germline.
Comment: The p.T1013I variant (also known as c.3038C>T), located in coding exon 1 of the MLH3 gene, results from a C to T substitution at nucleotide position 3038. The threonine at codon 1013 is replaced by isoleucine, an amino acid with similar properties. This amino acid position is conserved. In addition, this alteration is predicted to be tolerated by in silico analysis. Since supporting evidence is limited at this time, the clinical significance of this alteration remains unclear.

NM_001040108.2(MLH3):c.3038C>T (p.Thr1013Ile)

Gene: MLH3 (mutL homolog 3; minus strand). Cytogenetic location: 14q24.3.
Variant type: single nucleotide variant.
Coding change: c.3038C>T on transcript NM_001040108.2 (MANE Select); coding-DNA position 3038, C replaced by T.
Protein change: p.Thr1013Ile; replaces threonine 1013 with isoleucine.
Molecular consequence: missense variant.
Genome position (GRCh38, 1-based): chr14:75,046,618, G>A on the plus strand (C>T on the coding strand, the complement: MLH3 is on the minus strand). VCF-style: chr14-75046618-G-A. GRCh37 (hg19) VCF-style: chr14-75513321-G-A.
Other names: c.3038C>T, p.Thr1013Ile (NM_014381.3); short protein forms T1013I.
Identifiers: ClinVar variation 1799102 (VCV001799102.2), dbSNP rs2503255264, ClinGen allele CA390436789.